The following is an entry in ClinVar:

NM_001397.3(ECE1):c.1853G>A (p.Arg618Gln)

Gene: ECE1 (endothelin converting enzyme 1; minus strand). Cytogenetic location: 1p36.12.
Variant type: single nucleotide variant.
Coding change: c.1853G>A on transcript NM_001397.3 (MANE Select); coding-DNA position 1853, G replaced by A.
Protein change: p.Arg618Gln; replaces arginine 618 with glutamine.
Molecular consequence: missense variant.
Genome position (GRCh38, 1-based): chr1:21,225,437, C>T on the plus strand (G>A on the coding strand, the complement: ECE1 is on the minus strand). VCF-style: chr1-21225437-C-T. GRCh37 (hg19) VCF-style: chr1-21551930-C-T.
Other names: c.1817G>A, p.Arg606Gln (NM_001113347.2); c.1805G>A, p.Arg602Gln (NM_001113348.2); c.1844G>A, p.Arg615Gln (NM_001113349.2); short protein forms R602Q, R606Q, R615Q, R618Q.
Identifiers: ClinVar variation 3029233 (VCV003029233.2), dbSNP rs760171613, ClinGen allele CA664997.
Genomic context (GRCh38, chr1:21,225,437, plus strand): 5'-AAGGCCTCCACGGATGAGTTCTTCCACCATGGCCGGAGGTTCCCGTCCTTGTCATACTCC[C>T]GTCCTGTGGGTCAGAGGGAGGCGTCATGTCAAGGGAGGGAGGGGCACAGCAGGGACCTGC-3'
Protein context (NP_001388.1, residues 608-628): ELTHAFDDQG[Arg618Gln]EYDKDGNLRP

ClinVar aggregate classification (germline): Uncertain significance (0 of 4 stars; one submission).

Conditions:
ECE1-related disorder. Also called: ECE1-related condition.

Allele frequency attached by ClinVar (database versions not stated): ExAC 0.00002; gnomAD 0.00004.
gnomAD v4.1: 20 of 1,613,830 alleles (0.0012%); highest among the groups gnomAD compares: African/African-American, 0.012%; no homozygotes.

Submission:

PreventionGenetics, part of Exact Sciences
Classification: Uncertain significance for ECE1-related condition. Last evaluated: 2024-01-05. Review status: no assertion criteria provided. Collection method: clinical testing. Allele origin: germline.
Comment: The ECE1 c.1853G>A variant is predicted to result in the amino acid substitution p.Arg618Gln. To our knowledge, this variant has not been reported in the literature. This variant is reported in 0.020% of alleles in individuals of African descent in gnomAD. Although we suspect that this variant may be benign, at this time, the clinical significance of this variant is uncertain due to the absence of conclusive functional and genetic evidence.